The following is an entry in ClinVar:

ClinVar aggregate classification (germline): Pathogenic (1 of 4 stars; one submission).

Submission:

GeneDx
Classification: Pathogenic. Last evaluated: 2024-11-21. Review status: criteria provided, single submitter. Criteria: GeneDx Variant Classification Process June 2021. Collection method: clinical testing. Allele origin: germline. Affected: yes.
Comment: Frameshift variant predicted to result in protein truncation or nonsense mediated decay in a gene for which loss of function is a known mechanism of disease; Not observed at significant frequency in large population cohorts (gnomAD); Has not been previously published as pathogenic or benign to our knowledge

NM_031443.4(CCM2):c.315_319del (p.Thr106fs)

Gene: CCM2 (CCM2 scaffold protein; plus strand). Cytogenetic location: 7p13.
Variant type: Deletion.
Coding change: c.315_319del on transcript NM_031443.4 (MANE Select); coding-DNA positions 315 to 319, 5 bases deleted (GACTC; older notation c.315_319delGACTC).
Protein change: p.Thr106fs; shifts the reading frame from threonine 106.
Molecular consequence: frameshift variant. On other transcripts: non-coding transcript variant (1).
Genome position (GRCh38, 1-based): chr7:45,064,489-45,064,493, GACTC deleted. VCF-style (leftmost placement, unchanged base first): chr7-45064488-TGACTC-T. GRCh37 (hg19) VCF-style: chr7-45104087-TGACTC-T.
Other names: c.378_382del, p.Thr127fs (NM_001029835.2); c.141_145del, p.Thr48fs (NM_001167934.2, NM_001363459.2); c.315_319del, p.Thr106fs (NM_001167935.2, NM_001363458.2); c.315_319delGACTC, p.Thr106Glyfs (NM_031443.3); short protein forms T106fs, T127fs, T48fs.
Identifiers: ClinVar variation 3900510 (VCV003900510.1).